The following is an entry in ClinVar:

NM_018451.5(CPAP):c.1578T>G (p.Leu526=)

Gene: CPAP (centrosome assembly and centriole elongation protein; minus strand). Cytogenetic location: 13q12.13.
Variant type: single nucleotide variant.
Coding change: c.1578T>G on transcript NM_018451.5 (MANE Select); coding-DNA position 1578, T replaced by G.
Protein change: p.Leu526=; no amino-acid change (leucine 526 retained).
Molecular consequence: synonymous variant. On other transcripts: non-coding transcript variant (2).
Genome position (GRCh38, 1-based): chr13:24,906,460, A>C on the plus strand (T>G on the coding strand, the complement: CPAP is on the minus strand). VCF-style: chr13-24906460-A-C. GRCh37 (hg19) VCF-style: chr13-25480598-A-C.
Identifiers: ClinVar variation 2859677 (VCV002859677.25), dbSNP rs895328868, ClinGen allele CA247082323.

ClinVar aggregate classification (germline): Likely benign. Review status: criteria provided, multiple submitters, no conflicts (2 of 4 stars). 2 submissions from 2 submitters: Likely benign (2). Last evaluated 2024-01-01.

Allele frequency attached by ClinVar (database versions not stated): gnomAD exomes 0.00001; TOPMed 0.00002.
gnomAD v4.1: 17 of 1,614,200 alleles (0.0011%); highest among the groups gnomAD compares: Non-Finnish European, 0.0014%; no homozygotes.

Submissions (2):

CeGaT Center for Human Genetics Tuebingen
Classification: Likely benign. Last evaluated: 2024-01-01. Review status: criteria provided, single submitter. Criteria: CeGaT Center For Human Genetics Tuebingen Variant Classification Criteria Version 2. Collection method: clinical testing. Allele origin: germline. Affected: yes. Observed: 1 variant allele.
Comment: CPAP: BP4, BP7

Labcorp Genetics (formerly Invitae), Labcorp
Classification: Likely benign. Last evaluated: 2023-09-18. Review status: criteria provided, single submitter. Criteria: Invitae Variant Classification Sherloc (09022015). Collection method: clinical testing. Allele origin: germline.